The following is an entry in ClinVar:

NM_052844.4(DYNC2I2):c.1171C>T (p.His391Tyr)

Genes: DYNC2I2 (dynein 2 intermediate chain 2; minus strand), LOC126860772 (CDK7 strongly-dependent group 2 enhancer GRCh37_chr9:131396972-131398171; plus strand). Cytogenetic location: 9q34.11.
Variant type: single nucleotide variant.
Coding change: c.1171C>T on transcript NM_052844.4 (MANE Select); coding-DNA position 1171, C replaced by T.
Protein change: p.His391Tyr; replaces histidine 391 with tyrosine.
Molecular consequence: missense variant.
Genome position (GRCh38, 1-based): chr9:128,634,732, G>A on the plus strand (C>T on the coding strand, the complement: DYNC2I2 is on the minus strand). VCF-style: chr9-128634732-G-A. GRCh37 (hg19) VCF-style: chr9-131397011-G-A.
Other names: short protein forms H391Y.
Identifiers: ClinVar variation 2037720 (VCV002037720.1), dbSNP rs537004785, ClinGen allele CA5266321.

ClinVar aggregate classification (germline): Uncertain significance (1 of 4 stars; one submission).

Conditions:
Short-rib thoracic dysplasia 11 with or without polydactyly (SRTD11). Also called: SHORT-RIB THORACIC DYSPLASIA 11 WITHOUT POLYDACTYLY. Identifiers: Orphanet 474, Orphanet 93271, MedGen C3810200, MONDO:0014287, OMIM 615633.

gnomAD v4.1: 28 of 1,595,918 alleles (0.0018%); highest among the groups gnomAD compares: Non-Finnish European, 0.002%; no homozygotes.

Submission:

Labcorp Genetics (formerly Invitae), Labcorp
Classification: Uncertain significance for Short-rib thoracic dysplasia 11 with or without polydactyly. Last evaluated: 2022-03-20. Review status: criteria provided, single submitter. Criteria: Invitae Variant Classification Sherloc (09022015). Collection method: clinical testing. Allele origin: germline.
Comment: This sequence change replaces histidine, which is basic and polar, with tyrosine, which is neutral and polar, at codon 391 of the WDR34 protein (p.His391Tyr). The frequency data for this variant in the population databases is considered unreliable, as metrics indicate poor data quality at this position in the gnomAD database. This variant has not been reported in the literature in individuals affected with WDR34-related conditions. Algorithms developed to predict the effect of missense changes on protein structure and function are either unavailable or do not agree on the potential impact of this missense change (SIFT: "Deleterious"; PolyPhen-2: "Probably Damaging"; Align-GVGD: "Class C0"). In summary, the available evidence is currently insufficient to determine the role of this variant in disease. Therefore, it has been classified as a Variant of Uncertain Significance.